The following is an entry in ClinVar:

ClinVar aggregate classification (germline): Uncertain significance (1 of 4 stars; one submission).

Conditions:
Inborn genetic diseases. Identifiers: MedGen C0950123, MeSH D030342.

gnomAD v4.1: 4 of 1,614,000 alleles (0.00025%); highest among the groups gnomAD compares: South Asian, 0.0011%; no homozygotes.

Submission:

Ambry Genetics
Classification: Uncertain significance for Inborn genetic diseases. Last evaluated: 2026-05-04. Review status: criteria provided, single submitter. Criteria: Ambry Variant Classification Scheme 2023. Collection method: clinical testing. Allele origin: germline.
Comment: The p.D34H variant (also known as c.100G>C), located in coding exon 2 of the HAX1 gene, results from a G to C substitution at nucleotide position 100. The aspartic acid at codon 34 is replaced by histidine, an amino acid with similar properties. This amino acid position is conserved. In addition, this alteration is predicted to be tolerated by in silico analysis. Based on the available evidence, the clinical significance of this variant remains unclear.

NM_006118.4(HAX1):c.100G>C (p.Asp34His)

Gene: HAX1 (HCLS1 associated protein X-1; plus strand). Cytogenetic location: 1q21.3.
Variant type: single nucleotide variant.
Coding change: c.100G>C on transcript NM_006118.4 (MANE Select); coding-DNA position 100, G replaced by C.
Protein change: p.Asp34His; replaces aspartic acid 34 with histidine.
Molecular consequence: missense variant. On other transcripts: intron variant (1).
Genome position (GRCh38, 1-based): chr1:154,273,382, G>C. VCF-style: chr1-154273382-G-C. GRCh37 (hg19) VCF-style: chr1-154245858-G-C.
Other names: c.54-98G>C (NM_001018837.2); short protein forms D34H.
Identifiers: ClinVar variation 4858276 (VCV004858276.1).